The following is an entry in ClinVar:

NM_014336.5(AIPL1):c.1052C>T (p.Pro351Leu)

Gene: AIPL1 (AIP like 1 HSP90 co-chaperone; minus strand). Cytogenetic location: 17p13.2.
Variant type: single nucleotide variant.
Coding change: c.1052C>T on transcript NM_014336.5 (MANE Select); coding-DNA position 1052, C replaced by T.
Protein change: p.Pro351Leu; replaces proline 351 with leucine.
Molecular consequence: missense variant. On other transcripts: 3 prime UTR variant (1).
Genome position (GRCh38, 1-based): chr17:6,425,563, G>A on the plus strand (C>T on the coding strand, the complement: AIPL1 is on the minus strand). VCF-style: chr17-6425563-G-A. GRCh37 (hg19) VCF-style: chr17-6328883-G-A.
Other names: c.1052C>T (NM_014336.3); c.863C>T, p.Pro288Leu (NM_001033054.3); c.872C>T, p.Pro291Leu (NM_001033055.3); c.1016C>T, p.Pro339Leu (NM_001285399.3); c.986C>T, p.Pro329Leu (NM_001285400.3); c.980C>T, p.Pro327Leu (NM_001285401.3); c.935C>T, p.Pro312Leu (NM_001285402.2); c.*1023C>T (NM_001285403.4); short protein forms P288L, P291L, P329L, P339L, P351L, P327L, P312L.
Identifiers: ClinVar variation 954500 (VCV000954500.11), dbSNP rs972017329, ClinGen allele CA287323721.

ClinVar aggregate classification (germline): Uncertain significance. Review status: criteria provided, multiple submitters, no conflicts (2 of 4 stars). 3 submissions from 3 submitters: Uncertain significance (3). Last evaluated 2025-04-29.

Conditions:
Inborn genetic diseases. Identifiers: MedGen C0950123, MeSH D030342.
Leber congenital amaurosis 4 (LCA4). Identifiers: MedGen C1858386, MONDO:0011458, OMIM 604393.

Allele frequency attached by ClinVar (database versions not stated): TOPMed 0.00002; gnomAD exomes below 0.00001; gnomAD 0.00001.

Submissions (3):

Ambry Genetics
Classification: Uncertain significance for Inborn genetic diseases. Last evaluated: 2025-04-29. Review status: criteria provided, single submitter. Criteria: Ambry Variant Classification Scheme 2023. Collection method: clinical testing. Allele origin: germline.

Labcorp Genetics (formerly Invitae), Labcorp
Classification: Uncertain significance for Leber congenital amaurosis 4. Last evaluated: 2024-10-29. Review status: criteria provided, single submitter. Criteria: Invitae Variant Classification Sherloc (09022015). Collection method: clinical testing. Allele origin: germline.
Comment: This sequence change replaces proline, which is neutral and non-polar, with leucine, which is neutral and non-polar, at codon 351 of the AIPL1 protein (p.Pro351Leu). This variant is present in population databases (no rsID available, gnomAD 0.01%). This variant has not been reported in the literature in individuals affected with AIPL1-related conditions. ClinVar contains an entry for this variant (Variation ID: 954500). Invitae Evidence Modeling of protein sequence and biophysical properties (such as structural, functional, and spatial information, amino acid conservation, physicochemical variation, residue mobility, and thermodynamic stability) indicates that this missense variant is not expected to disrupt AIPL1 protein function with a negative predictive value of 95%. In summary, the available evidence is currently insufficient to determine the role of this variant in disease. Therefore, it has been classified as a Variant of Uncertain Significance.

Blueprint Genetics
Classification: Uncertain significance. Last evaluated: 2023-03-15. Review status: criteria provided, single submitter. Criteria: ACMG Guidelines, 2015. Collection method: clinical testing. Allele origin: germline.